The following is an entry in ClinVar:

ClinVar aggregate classification (germline): Likely pathogenic. Review status: criteria provided, multiple submitters, no conflicts (2 of 4 stars). 2 submissions from 2 submitters: Likely pathogenic (2). Last evaluated 2024-08-07.

Conditions:
Congenital hyperammonemia, type I. Also called: Carbamoyl-phosphate synthase I deficiency; CPS I DEFICIENCY; Carbamoyl phosphate synthetase I deficiency disease; Carbamoyl phosphate synthetase 1 deficiency; Hyperammonemia due to carbamoyl phosphate synthetase 1 deficiency; CPS 1 deficiency. Identifiers: Orphanet 147, MedGen C4082171, MONDO:0009376, OMIM 237300.

Submissions (3):

Natera, Inc.
Classification: Likely pathogenic for Carbamoyl-phosphate synthase I deficiency. Last evaluated: 2024-08-07. Review status: criteria provided, single submitter. Criteria: Natera Variant Classification Schema (03/2026). Collection method: clinical testing. Allele origin: germline.
Comment: The c.2830-1G>T variant in CPS1 is a canonical splice acceptor site variant predicted to affect pre-mRNA splicing, which may result in an abnormal transcript and altered protein product. This variant is expected to result in nonsense mediated decay, truncation, or a dysfunctional protein product. This variant is rare in the general population with a frequency below the threshold expected for the associated phenotype(s). Given the available evidence, this variant is classified as Likely Pathogenic.

Labcorp Genetics (formerly Invitae), Labcorp
Classification: Likely pathogenic for Congenital hyperammonemia, type I. Last evaluated: 2021-05-04. Review status: criteria provided, single submitter. Criteria: Invitae Variant Classification Sherloc (09022015). Collection method: clinical testing. Allele origin: germline.
Comment: In summary, the currently available evidence indicates that the variant is pathogenic, but additional data are needed to prove that conclusively. Therefore, this variant has been classified as Likely Pathogenic. Algorithms developed to predict the effect of sequence changes on RNA splicing suggest that this variant may disrupt the consensus splice site, but this prediction has not been confirmed by published transcriptional studies. This variant has not been reported in the literature in individuals with CPS1-related conditions. This variant is not present in population databases (ExAC no frequency). This sequence change affects an acceptor splice site in intron 22 of the CPS1 gene. It is expected to disrupt RNA splicing. Variants that disrupt the donor or acceptor splice site typically lead to a loss of protein function (PMID: 16199547), and loss-of-function variants in CPS1 are known to be pathogenic (PMID: 21120950).

Dr. Peter K. Rogan Lab, Western University
No classification provided (evidence only). Condition: Lung cancer. Review status: no classification provided. Collection method: in vitro. Allele origin: not applicable. Functional consequence: skipped exon, retained intron. Not counted in ClinVar's aggregate classification.

Literature cited by the submitters: PubMed 16199547 (cited by Labcorp Genetics (formerly Invitae), Labcorp); PubMed 21120950 (cited by Labcorp Genetics (formerly Invitae), Labcorp).

NM_001875.5(CPS1):c.2830-1G>T

Gene: CPS1 (carbamoyl-phosphate synthase 1; plus strand). Cytogenetic location: 2q34.
Variant type: single nucleotide variant.
Coding change: c.2830-1G>T on transcript NM_001875.5 (MANE Select); the canonical splice acceptor site of the intron before coding-DNA position 2830, G replaced by T.
Molecular consequence: splice acceptor variant.
Genome position (GRCh38, 1-based): chr2:210,639,149, G>T. VCF-style: chr2-210639149-G-T. GRCh37 (hg19) VCF-style: chr2-211503873-G-T.
Other names: c.2830-1G>T (NM_001369257.1, NM_001122633.3, NM_001875.4); c.2863-1G>T (NM_001369256.1).
Identifiers: ClinVar variation 1513610 (VCV001513610.10), dbSNP rs1700129715, ClinGen allele CA350431722.